The following is an entry in ClinVar:

ClinVar aggregate classification (germline): Uncertain significance. Review status: criteria provided, multiple submitters, no conflicts (2 of 4 stars). 3 submissions from 3 submitters: Uncertain significance (3). Last evaluated 2025-08-03.

Conditions:
Otitis media, susceptibility to (OMS). Also called: OTITIS MEDIA, CHRONIC/RECURRENT; COME/ROM. Identifiers: MedGen C1833692, MONDO:0008162, OMIM 166760.

Allele frequency attached by ClinVar (database versions not stated): gnomAD exomes 0.00001 and 0.00003; ExAC 0.00003; gnomAD 0.00009 and 0.00010; TOPMed 0.00014; ESP Exome Variant Server 0.00017; 1000 Genomes Project 0.00020; 1000 Genomes Project 30x 0.00031.
gnomAD v4.1: 32 of 1,611,690 alleles (0.002%); highest among the groups gnomAD compares: African/African-American, 0.031%; no homozygotes.

Submissions (3):

Labcorp Genetics (formerly Invitae), Labcorp
Classification: Uncertain significance. Last evaluated: 2025-08-03. Review status: criteria provided, single submitter. Criteria: Invitae Variant Classification Sherloc (09022015). Collection method: clinical testing. Allele origin: germline.
Comment: This sequence change replaces phenylalanine, which is neutral and non-polar, with leucine, which is neutral and non-polar, at codon 672 of the A2ML1 protein (p.Phe672Leu). This variant is present in population databases (rs376707182, gnomAD 0.04%). This variant has not been reported in the literature in individuals affected with A2ML1-related conditions. ClinVar contains an entry for this variant (Variation ID: 1491947). An algorithm developed to predict the effect of missense changes on protein structure and function (PolyPhen-2) suggests that this variant is likely to be tolerated. In summary, the available evidence is currently insufficient to determine the role of this variant in disease. Therefore, it has been classified as a Variant of Uncertain Significance.

Ambry Genetics
Classification: Uncertain significance. Last evaluated: 2025-07-15. Review status: criteria provided, single submitter. Criteria: Ambry Variant Classification Scheme 2023. Collection method: clinical testing. Allele origin: germline.

Fulgent Genetics
Classification: Uncertain significance for Otitis media, susceptibility to. Last evaluated: 2021-09-08. Review status: criteria provided, single submitter. Criteria: ACMG Guidelines, 2015. Collection method: clinical testing. Allele origin: unknown.

NM_144670.6(A2ML1):c.2014T>C (p.Phe672Leu)

Gene: A2ML1 (alpha-2-macroglobulin like 1; plus strand). Cytogenetic location: 12p13.31.
Variant type: single nucleotide variant.
Coding change: c.2014T>C on transcript NM_144670.6 (MANE Select); coding-DNA position 2014, T replaced by C.
Protein change: p.Phe672Leu; replaces phenylalanine 672 with leucine.
Molecular consequence: missense variant.
Genome position (GRCh38, 1-based): chr12:8,848,900, T>C. VCF-style: chr12-8848900-T-C. GRCh37 (hg19) VCF-style: chr12-9001496-T-C.
Other names: c.541T>C, p.Phe181Leu (NM_001282424.3); c.2014T>C (NM_144670.3); short protein forms F672L, F181L.
Identifiers: ClinVar variation 1491947 (VCV001491947.10), dbSNP rs376707182, ClinGen allele CA6435863.